The following is an entry in ClinVar:

NM_000548.5(TSC2):c.4850-15C>T

Gene: TSC2 (TSC complex subunit 2; plus strand). Cytogenetic location: 16p13.3.
Variant type: single nucleotide variant.
Coding change: c.4850-15C>T on transcript NM_000548.5 (MANE Select); 15 bases into the intron before coding-DNA position 4850, C replaced by T.
Molecular consequence: intron variant.
Genome position (GRCh38, 1-based): chr16:2,086,717, C>T. VCF-style: chr16-2086717-C-T. GRCh37 (hg19) VCF-style: chr16-2136718-C-T.
Other names: c.4781-15C>T (NM_001114382.3); c.4721-15C>T (NM_021055.3, NM_001370405.1); c.4652-15C>T (NM_001363528.2); c.4718-15C>T (NM_001370404.1); c.4649-15C>T (NM_001077183.3); c.4541-15C>T (NM_001318827.2); c.4118-15C>T (NM_001318831.2); c.4505-15C>T (NM_001318829.2); and 1 more.
Identifiers: ClinVar variation 1389735 (VCV001389735.9), dbSNP rs373982002, ClinGen allele CA276756741.

ClinVar aggregate classification (germline): Likely benign. Review status: criteria provided, multiple submitters, no conflicts (2 of 4 stars). 3 submissions from 3 submitters: Likely benign (3). Last evaluated 2025-12-20.

Conditions:
Tuberous sclerosis 2 (TSC2). Identifiers: Orphanet 805, MedGen C1860707, MONDO:0013199, OMIM 613254.
Tuberous sclerosis syndrome (TSC). Also called: Tuberous Sclerosis Complex; Tuberous sclerosis. Identifiers: Orphanet 805, MedGen C0041341, MONDO:0001734.

Allele frequency attached by ClinVar (database versions not stated): ESP Exome Variant Server 0.00008.
gnomAD v4.1: 35 of 1,608,932 alleles (0.0022%); highest among the groups gnomAD compares: Non-Finnish European, 0.0026%; no homozygotes.

Submissions (3):

Labcorp Genetics (formerly Invitae), Labcorp
Classification: Likely benign for Tuberous sclerosis 2. Last evaluated: 2025-12-20. Review status: criteria provided, single submitter. Criteria: Invitae Variant Classification Sherloc (09022015). Collection method: clinical testing. Allele origin: germline.

Myriad Genetics, Inc.
Classification: Likely benign for Tuberous sclerosis 2. Last evaluated: 2025-06-05. Review status: criteria provided, single submitter. Criteria: Myriad Autosomal Dominant, Autosomal Recessive and X-Linked Classification Criteria (2023). Collection method: clinical testing. Allele origin: unknown.
Comment: This variant is considered likely benign. This variant is intronic and is not expected to impact mRNA splicing.

Color Diagnostics, LLC DBA Color Health
Classification: Likely benign for Tuberous sclerosis syndrome. Last evaluated: 2022-11-23. Review status: criteria provided, single submitter. Criteria: ACMG Guidelines, 2015. Collection method: clinical testing. Allele origin: germline.